The following is an entry in ClinVar:

ClinVar aggregate classification (germline): Likely benign. Review status: criteria provided, single submitter (1 of 4 stars). 2 submissions from 2 submitters: Likely benign (1). 1 of the submissions does not count toward it. Last evaluated 2025-10-02.

Conditions:
TUB-related disorder. Also called: TUB-related condition.

Allele frequency attached by ClinVar (database versions not stated): TOPMed 0.00001.

Submissions (2):

Labcorp Genetics (formerly Invitae), Labcorp
Classification: Likely benign. Last evaluated: 2025-10-02. Review status: criteria provided, single submitter. Criteria: Invitae Variant Classification Sherloc (09022015). Collection method: clinical testing. Allele origin: germline.

PreventionGenetics, part of Exact Sciences
Classification: Likely benign for TUB-related condition. Last evaluated: 2022-11-14. Review status: no assertion criteria provided. Collection method: clinical testing. Allele origin: germline. Not counted in ClinVar's aggregate classification.
Comment: This variant is classified as likely benign based on ACMG/AMP sequence variant interpretation guidelines (Richards et al. 2015 PMID: 25741868, with internal and published modifications).

NM_177972.3(TUB):c.333G>A (p.Lys111=)

Genes: RIC3 (RIC3 acetylcholine receptor chaperone; minus strand), TUB (TUB bipartite transcription factor; plus strand). Cytogenetic location: 11p15.4.
Variant type: single nucleotide variant.
Coding change: c.333G>A on transcript NM_177972.3 (MANE Select); coding-DNA position 333, G replaced by A.
Protein change: p.Lys111=; no amino-acid change (lysine 111 retained).
Molecular consequence: synonymous variant. On other transcripts: non-coding transcript variant (1).
Genome position (GRCh38, 1-based): chr11:8,094,125, G>A. VCF-style: chr11-8094125-G-A. GRCh37 (hg19) VCF-style: chr11-8115672-G-A.
Other names: c.498G>A (NM_003320.4); c.498G>A, p.Lys166= (NM_003320.5).
Identifiers: ClinVar variation 2981244 (VCV002981244.4), dbSNP rs932951340, ClinGen allele CA217419514.
Genomic context (GRCh38, chr11:8,094,125, plus strand): 5'-CGCCAGTGTGCAGCTGGGAGCCACGCGCCCAACAGCACCAGCTTCAGCCAAGAGAACCAA[G>A]GCGGCAGCTACAGCAGGGGGCCAGGGTGGCGCCGCTAGGAAGGAGAAGAAGGGAAAGCAC-3'
Protein context (NP_813977.1, residues 101-121): PTAPASAKRT[Lys111=]AAATAGGQGG